The following is an entry in ClinVar:

ClinVar aggregate classification (germline): Conflicting classifications of pathogenicity. Review status: criteria provided, conflicting classifications (1 of 4 stars). 3 submissions from 3 submitters: Uncertain significance (2); Likely benign (1). Last evaluated 2025-11-17.

Conditions:
Hereditary cancer-predisposing syndrome. Also called: Neoplastic Syndromes, Hereditary; Hereditary neoplastic syndrome; Tumor predisposition; Hereditary Cancer Syndrome. Identifiers: Orphanet 140162, MedGen C0027672, MeSH D009386, MONDO:0015356.
POLD1-related polyposis and colorectal cancer syndrome (CRCS10). Also called: Colorectal cancer 10; COLORECTAL CANCER, SUSCEPTIBILITY TO, ON CHROMOSOME 19q; Colorectal cancer, susceptibility to, 10. Identifiers: Orphanet 220460, MedGen C2675481, MONDO:0012953, OMIM 612591.

gnomAD v4.1: 1 of 1,613,204 alleles (0.000062%); no homozygotes.

Submissions (3):

Labcorp Genetics (formerly Invitae), Labcorp
Classification: Uncertain significance for POLD1-related polyposis and colorectal cancer syndrome. Last evaluated: 2025-11-17. Review status: criteria provided, single submitter. Criteria: Invitae Variant Classification Sherloc (09022015). Collection method: clinical testing. Allele origin: germline.
Comment: This sequence change replaces alanine, which is neutral and non-polar, with valine, which is neutral and non-polar, at codon 189 of the POLD1 protein (p.Ala189Val). This variant is not present in population databases (gnomAD no frequency). This variant has not been reported in the literature in individuals affected with POLD1-related conditions. ClinVar contains an entry for this variant (Variation ID: 469366). Invitae Evidence Modeling of protein sequence and biophysical properties (such as structural, functional, and spatial information, amino acid conservation, physicochemical variation, residue mobility, and thermodynamic stability) indicates that this missense variant is not expected to disrupt POLD1 protein function with a negative predictive value of 80%. In summary, the available evidence is currently insufficient to determine the role of this variant in disease. Therefore, it has been classified as a Variant of Uncertain Significance.

Ambry Genetics
Classification: Likely benign for Hereditary cancer-predisposing syndrome. Last evaluated: 2024-12-12. Review status: criteria provided, single submitter. Criteria: Ambry Variant Classification Scheme 2023. Collection method: clinical testing. Allele origin: germline.

GeneDx
Classification: Uncertain significance. Last evaluated: 2023-12-14. Review status: criteria provided, single submitter. Criteria: GeneDx Variant Classification Process June 2021. Collection method: clinical testing. Allele origin: germline. Affected: yes.
Comment: Not observed at significant frequency in large population cohorts (gnomAD); In silico analysis supports that this missense variant does not alter protein structure/function; Observed in an individual with a family history of pancreatic cancer (PMID: 33939675); This variant is associated with the following publications: (PMID: 33939675)

NM_002691.4(POLD1):c.566C>T (p.Ala189Val)

Gene: POLD1 (DNA polymerase delta 1, catalytic subunit; plus strand). Cytogenetic location: 19q13.33.
Variant type: single nucleotide variant.
Coding change: c.566C>T on transcript NM_002691.4 (MANE Select); coding-DNA position 566, C replaced by T.
Protein change: p.Ala189Val; replaces alanine 189 with valine.
Molecular consequence: missense variant. On other transcripts: non-coding transcript variant (1).
Genome position (GRCh38, 1-based): chr19:50,402,101, C>T. VCF-style: chr19-50402101-C-T. GRCh37 (hg19) VCF-style: chr19-50905358-C-T.
Other names: c.566C>T, p.Ala189Val (NM_001256849.1, NM_001308632.1); short protein forms A189V.
Identifiers: ClinVar variation 469366 (VCV000469366.16), dbSNP rs1555789928, ClinGen allele CA406973397.